The following is an entry in ClinVar:

ClinVar aggregate classification (germline): Likely benign (1 of 4 stars; one submission).

Submission:

GeneDx
Classification: Likely benign. Last evaluated: 2016-03-30. Review status: criteria provided, single submitter. Criteria: GeneDx Variant Classification (06012015). Collection method: clinical testing. Allele origin: germline. Affected: yes.
Comment: This variant is considered likely benign or benign based on one or more of the following criteria: it is a conservative change, it occurs at a poorly conserved position in the protein, it is predicted to be benign by multiple in silico algorithms, and/or has population frequency not consistent with disease.

NM_032382.5(COG8):c.151C>A (p.Arg51=)

Gene: COG8 (component of oligomeric golgi complex 8; minus strand). Cytogenetic location: 16q22.1.
Variant type: single nucleotide variant.
Coding change: c.151C>A on transcript NM_032382.5 (MANE Select); coding-DNA position 151, C replaced by A.
Protein change: p.Arg51=; no amino-acid change (arginine 51 retained).
Molecular consequence: synonymous variant.
Genome position (GRCh38, 1-based): chr16:69,339,402, G>T on the plus strand (C>A on the coding strand, the complement: COG8 is on the minus strand). VCF-style: chr16-69339402-G-T. GRCh37 (hg19) VCF-style: chr16-69373305-G-T.
Other names: c.151C>A, p.Arg51= (NM_001374871.1, NM_001379261.1, NM_001379262.1 and 4 more transcripts).
Identifiers: ClinVar variation 384556 (VCV000384556.1), dbSNP rs1057521994, ClinGen allele CA16607382.